The following is an entry in ClinVar:

ClinVar aggregate classification (germline): Uncertain significance. Review status: criteria provided, multiple submitters, no conflicts (2 of 4 stars). 2 submissions from 2 submitters: Uncertain significance (2). Last evaluated 2024-12-15.

Conditions:
Dilated cardiomyopathy 1II (CMD1II). Identifiers: Orphanet 154, MedGen C3554649, MONDO:0014073, OMIM 615184.
Cardiovascular phenotype. Identifiers: MedGen CN230736.

Submissions (2):

Labcorp Genetics (formerly Invitae), Labcorp
Classification: Uncertain significance for Dilated cardiomyopathy 1II. Last evaluated: 2024-12-15. Review status: criteria provided, single submitter. Criteria: Invitae Variant Classification Sherloc (09022015). Collection method: clinical testing. Allele origin: germline.
Comment: This sequence change replaces serine, which is neutral and polar, with proline, which is neutral and non-polar, at codon 136 of the CRYAB protein (p.Ser136Pro). This variant is present in population databases (no rsID available, gnomAD 0.007%). This variant has not been reported in the literature in individuals affected with CRYAB-related conditions. An algorithm developed to predict the effect of missense changes on protein structure and function (PolyPhen-2) suggests that this variant is likely to be disruptive. In summary, the available evidence is currently insufficient to determine the role of this variant in disease. Therefore, it has been classified as a Variant of Uncertain Significance.

Ambry Genetics
Classification: Uncertain significance for Cardiovascular phenotype. Last evaluated: 2024-05-31. Review status: criteria provided, single submitter. Criteria: Ambry Variant Classification Scheme 2023. Collection method: clinical testing. Allele origin: germline.
Comment: The p.S136P variant (also known as c.406T>C), located in coding exon 3 of the CRYAB gene, results from a T to C substitution at nucleotide position 406. The serine at codon 136 is replaced by proline, an amino acid with similar properties. This amino acid position is well conserved in available vertebrate species. In addition, this alteration is predicted to be deleterious by in silico analysis. Based on the available evidence, the clinical significance of this variant remains unclear.

NM_001289808.2(CRYAB):c.406T>C (p.Ser136Pro)

Gene: CRYAB (crystallin alpha B; minus strand). Cytogenetic location: 11q23.1.
Variant type: single nucleotide variant.
Coding change: c.406T>C on transcript NM_001289808.2 (MANE Select); coding-DNA position 406, T replaced by C.
Protein change: p.Ser136Pro; replaces serine 136 with proline.
Molecular consequence: missense variant.
Genome position (GRCh38, 1-based): chr11:111,908,886, A>G on the plus strand (T>C on the coding strand, the complement: CRYAB is on the minus strand). VCF-style: chr11-111908886-A-G. GRCh37 (hg19) VCF-style: chr11-111779610-A-G.
Other names: c.406T>C, p.Ser136Pro (NM_001289807.1, NM_001368245.1, NM_001885.3); c.205T>C, p.Ser69Pro (NM_001330379.1, NM_001368246.1); short protein forms S136P, S69P.
Identifiers: ClinVar variation 3269648 (VCV003269648.3).